The following is an entry in ClinVar:

NM_001427.4(EN2):c.996C>T (p.Ser332=)

Gene: EN2 (engrailed homeobox 2; plus strand). Cytogenetic location: 7q36.3.
Variant type: single nucleotide variant.
Coding change: c.996C>T on transcript NM_001427.4 (MANE Select); coding-DNA position 996, C replaced by T.
Protein change: p.Ser332=; no amino-acid change (serine 332 retained).
Molecular consequence: synonymous variant.
Genome position (GRCh38, 1-based): chr7:155,462,681, C>T. VCF-style: chr7-155462681-C-T. GRCh37 (hg19) VCF-style: chr7-155255376-C-T.
Identifiers: ClinVar variation 2658276 (VCV002658276.24), dbSNP rs149481945, ClinGen allele CA4585708.
Genomic context (GRCh38, chr7:155,462,681, plus strand): 5'-CCTCATGGCACAGGGCTTGTACAACCACTCCACCACAGCCAAGGAGGGCAAGTCGGACAG[C>T]GAGTAGGGCGGGGGGCATGGAGGCCAGGTCTCAGTCCGCGCTAAACAATGCAATAATTTA-3'
Protein context (NP_001418.2, residues 322-333): STTAKEGKSD[Ser332=]E

ClinVar aggregate classification (germline): Likely benign (1 of 4 stars; one submission).

Allele frequency attached by ClinVar (database versions not stated): 1000 Genomes Project 0.00040; 1000 Genomes Project 30x 0.00062; ESP Exome Variant Server 0.00077; ExAC 0.00098; TOPMed 0.00079; gnomAD 0.00088.

Submission:

CeGaT Center for Human Genetics Tuebingen
Classification: Likely benign. Last evaluated: 2022-07-01. Review status: criteria provided, single submitter. Criteria: CeGaT Center For Human Genetics Tuebingen Variant Classification Criteria Version 2. Collection method: clinical testing. Allele origin: germline. Affected: yes. Observed: 1 variant allele.
Comment: EN2: BP4, BP7